The following is an entry in ClinVar:

ClinVar aggregate classification (germline): Conflicting classifications of pathogenicity. Review status: criteria provided, conflicting classifications (1 of 4 stars). 7 submissions from 7 submitters: Uncertain significance (2); Likely benign (5). Last evaluated 2026-02-16.

Conditions:
Ehlers-Danlos syndrome, classic type, 1 (EDSCL1). Also called: Ehlers-Danlos Syndrome, Classic Type, COL5A1-Related; EHLERS-DANLOS SYNDROME, GRAVIS TYPE; EHLERS-DANLOS SYNDROME, SEVERE CLASSIC TYPE; Ehlers-Danlos syndrome, type 1; EDS I. Identifiers: MedGen C0268335, MONDO:0019567, OMIM 130000.
Connective tissue disorder. Also called: Connective tissue disease. Identifiers: MedGen C0009782, MONDO:0003900.
Ehlers-Danlos syndrome, classic type, 2 (EDSCL2). Also called: Ehlers-Danlos Syndrome, Classic Type, COL5A2-Related; Ehlers-Danlos syndrome type 2 (formerly); Ehlers-Danlos syndrome, type 2. Identifiers: Orphanet 287, Orphanet 90318, MedGen C0268336, MONDO:0019568, OMIM 130010.
Ehlers-Danlos syndrome (EDS). Identifiers: Orphanet 98249, MedGen C0013720, MONDO:0020066.
Familial thoracic aortic aneurysm and aortic dissection (TAAD). Also called: Thoracic aortic aneurysms and dissections. Identifiers: Orphanet 91387, MedGen C4707243, MONDO:0019625.

Allele frequency attached by ClinVar (database versions not stated): gnomAD exomes 0.00013; TOPMed 0.00003; gnomAD 0.00008 and 0.00007; ExAC 0.00013.
gnomAD v4.1: 148 of 1,613,812 alleles (0.0092%); highest among the groups gnomAD compares: Middle Eastern, 0.049%; 1 homozygote.

Submissions (7):

Women's Health and Genetics/Laboratory Corporation of America, LabCorp
Classification: Likely benign. Last evaluated: 2026-02-16. Review status: criteria provided, single submitter. Criteria: LabCorp Variant Classification Summary - May 2015. Collection method: clinical testing. Allele origin: germline.
Comment: Variant summary: COL5A2 c.4495G>T (p.Val1499Leu) results in a conservative amino acid change in the encoded protein sequence. Algorithms developed to predict the effect of missense changes on protein structure and function are either unavailable or do not agree on the potential impact of this missense change. The variant allele was found at a frequency of 0.00013 in 251288 control chromosomes in the gnomAD database, including 1 homozygotes. The observed variant frequency exceeds the estimated maximal expected allele frequency for disease-causing variants in COL5A2. To our knowledge, no occurrence of c.4495G>T in individuals affected with COL5A2-related conditions and no experimental evidence demonstrating its impact on protein function have been reported. ClinVar contains an entry for this variant (Variation ID: 213087). Based on the evidence outlined above, the variant was classified as likely benign.

Labcorp Genetics (formerly Invitae), Labcorp
Classification: Likely benign for Ehlers-Danlos syndrome, classic type, 1. Last evaluated: 2026-02-01. Review status: criteria provided, single submitter. Criteria: Invitae Variant Classification Sherloc (09022015). Collection method: clinical testing. Allele origin: germline.

GeneDx
Classification: Likely benign. Last evaluated: 2024-01-02. Review status: criteria provided, single submitter. Criteria: GeneDx Variant Classification Process June 2021. Collection method: clinical testing. Allele origin: germline. Affected: yes.
Comment: See Variant Classification Assertion Criteria.

Genome Diagnostics Laboratory, The Hospital for Sick Children
Classification: Uncertain significance for Ehlers-Danlos syndrome. Last evaluated: 2019-03-18. Review status: criteria provided, single submitter. Criteria: ACMG Guidelines, 2015. Collection method: clinical testing. Allele origin: germline.

Center for Human Genetics, Inc
Classification: Likely benign for Connective tissue disorder. Last evaluated: 2018-06-01. Review status: criteria provided, single submitter. Criteria: ACMG Guidelines, 2015. Collection method: clinical testing. Allele origin: germline. Affected: yes.

Illumina Laboratory Services, Illumina
Classification: Likely benign for Ehlers-Danlos syndrome, classic type, 2. Last evaluated: 2018-01-13. Review status: criteria provided, single submitter. Criteria: ICSL Variant Classification Criteria 13 December 2019. Collection method: clinical testing. Allele origin: germline.
Comment: This variant was observed in the ICSL laboratory as part of a predisposition screen in an ostensibly healthy population. It had not been previously curated by ICSL or reported in the Human Gene Mutation Database (HGMD: prior to June 1st, 2018), and was therefore a candidate for classification through an automated scoring system. Utilizing variant allele frequency, disease prevalence and penetrance estimates, and inheritance mode, an automated score was calculated to assess if this variant is too frequent to cause the disease. Based on the score and internal cut-off values, a variant classified as likely benign is not then subjected to further curation. The score for this variant resulted in a classification of likely benign for this disease.

Ambry Genetics
Classification: Uncertain significance for Familial thoracic aortic aneurysm and aortic dissection. Last evaluated: 2017-03-14. Review status: criteria provided, single submitter. Criteria: Ambry Variant Classification Scheme 2023. Collection method: clinical testing. Allele origin: germline.
Comment: The p.V1499L variant (also known as c.4495G>T), located in coding exon 54 of the COL5A2 gene, results from a G to T substitution at nucleotide position 4495. The valine at codon 1499 is replaced by leucine, an amino acid with highly similar properties. This amino acid position is not well conserved in available vertebrate species, and leucine is the reference amino acid in other vertebrate species. In addition, this alteration is predicted to be tolerated by in silico analysis. Since supporting evidence is limited at this time, the clinical significance of this alteration remains unclear.

NM_000393.5(COL5A2):c.4495G>T (p.Val1499Leu)

Gene: COL5A2 (collagen type V alpha 2 chain; minus strand). Cytogenetic location: 2q32.2.
Variant type: single nucleotide variant.
Coding change: c.4495G>T on transcript NM_000393.5 (MANE Select); coding-DNA position 4495, G replaced by T.
Protein change: p.Val1499Leu; replaces valine 1499 with leucine.
Molecular consequence: missense variant.
Genome position (GRCh38, 1-based): chr2:189,034,075, C>A on the plus strand (G>T on the coding strand, the complement: COL5A2 is on the minus strand). VCF-style: chr2-189034075-C-A. GRCh37 (hg19) VCF-style: chr2-189898801-C-A.
Other names: p.V1499L:GTG>TTG; short protein forms V1499L.
Identifiers: ClinVar variation 213087 (VCV000213087.63), dbSNP rs527433112, ClinGen allele CA321411.